The following is an entry in ClinVar:

NM_001244008.2(KIF1A):c.2237A>G (p.Asn746Ser)

Gene: KIF1A (kinesin family member 1A; minus strand). Cytogenetic location: 2q37.3.
Variant type: single nucleotide variant.
Coding change: c.2237A>G on transcript NM_001244008.2 (MANE Select); coding-DNA position 2237, A replaced by G.
Protein change: p.Asn746Ser; replaces asparagine 746 with serine.
Molecular consequence: missense variant.
Genome position (GRCh38, 1-based): chr2:240,761,257, T>C on the plus strand (A>G on the coding strand, the complement: KIF1A is on the minus strand). VCF-style: chr2-240761257-T-C. GRCh37 (hg19) VCF-style: chr2-241700674-T-C.
Other names: c.2237A>G, p.Asn746Ser (NM_001320705.2, NM_001330289.2, NM_001379638.1); c.2312A>G, p.Asn771Ser (NM_001330290.2, NM_001379631.1, NM_001379634.1 and 2 more transcripts); c.2210A>G, p.Asn737Ser (NM_001379632.1, NM_001379633.1, NM_001379636.1 and 11 more transcripts); c.2285A>G, p.Asn762Ser (NM_001379637.1, NM_001379648.1); short protein forms N771S, N737S, N746S, N762S.
Identifiers: ClinVar variation 2935684 (VCV002935684.3), dbSNP rs2537617853, ClinGen allele CA351325367.

ClinVar aggregate classification (germline): Uncertain significance (1 of 4 stars; one submission).

Conditions:
Neuropathy, hereditary sensory, type 2C. Also called: KIF1A-Related HSAN2 (HSAN2C); Hereditary sensory and autonomic neuropathy type IIC. Identifiers: Orphanet 970, MedGen C3280168, MONDO:0013634, OMIM 614213.
Hereditary spastic paraplegia 30. Identifiers: Orphanet 101010, MedGen C5235139, MONDO:0012476.
Intellectual disability, autosomal dominant 9 (NESCAVS). Also called: NESCAV SYNDROME; KIF1A-Related Neurodevelopmental Disorder. Identifiers: Orphanet 662367, MedGen C5393830, MONDO:0013656, OMIM 614255.

Submission:

Labcorp Genetics (formerly Invitae), Labcorp
Classification: Uncertain significance for Hereditary spastic paraplegia 30; Neuropathy, hereditary sensory, type 2C; Intellectual disability, autosomal dominant 9. Last evaluated: 2023-08-25. Review status: criteria provided, single submitter. Criteria: Invitae Variant Classification Sherloc (09022015). Collection method: clinical testing. Allele origin: germline.
Comment: This variant is not present in population databases (gnomAD no frequency). In summary, the available evidence is currently insufficient to determine the role of this variant in disease. Therefore, it has been classified as a Variant of Uncertain Significance. Advanced modeling of protein sequence and biophysical properties (such as structural, functional, and spatial information, amino acid conservation, physicochemical variation, residue mobility, and thermodynamic stability) has been performed at Invitae for this missense variant, however the output from this modeling did not meet the statistical confidence thresholds required to predict the impact of this variant on KIF1A protein function. This variant has not been reported in the literature in individuals affected with KIF1A-related conditions. This sequence change replaces asparagine, which is neutral and polar, with serine, which is neutral and polar, at codon 737 of the KIF1A protein (p.Asn737Ser).